The following is an entry in ClinVar:

NM_001009944.3(PKD1):c.301A>G (p.Asn101Asp)

Gene: PKD1 (polycystin 1, transient receptor potential channel interacting; minus strand). Cytogenetic location: 16p13.3.
Variant type: single nucleotide variant.
Coding change: c.301A>G on transcript NM_001009944.3 (MANE Select); coding-DNA position 301, A replaced by G.
Protein change: p.Asn101Asp; replaces asparagine 101 with aspartic acid.
Molecular consequence: missense variant.
Genome position (GRCh38, 1-based): chr16:2,119,172, T>C on the plus strand (A>G on the coding strand, the complement: PKD1 is on the minus strand). VCF-style: chr16-2119172-T-C. GRCh37 (hg19) VCF-style: chr16-2169173-T-C.
Other names: c.301A>G, p.Asn101Asp (NM_000296.4); short protein forms N101D.
Identifiers: ClinVar variation 873354 (VCV000873354.2), dbSNP rs2092684149, ClinGen allele CA394396026.

ClinVar aggregate classification (germline): Uncertain significance. Review status: criteria provided, single submitter (1 of 4 stars). 2 submissions from 2 submitters: Uncertain significance (1). 1 of the submissions does not count toward it. Last evaluated 2020-02-05.

Conditions:
Polycystic kidney disease, adult type (PKD1). Also called: POLYCYSTIC KIDNEY DISEASE, ADULT, TYPE I; Polycystic Kidney Disease 1, Autosomal Dominant; Polycystic kidney disease 1; Polycystic kidney disease 1, severe; Polycystic Kidney, Autosomal Dominant; POLYCYSTIC KIDNEY DISEASE 1 WITH OR WITHOUT POLYCYSTIC LIVER DISEASE. Identifiers: MedGen C3149841, MONDO:0008263, OMIM 173900.
Polycystic kidney disease. Also called: Polycystic kidney dysplasia; Kidney, Polycystic. Identifiers: MedGen C0022680, MeSH D007690, MONDO:0020642, HP:0000113.

Allele frequency attached by ClinVar (database versions not stated): gnomAD exomes below 0.00001.
gnomAD v4.1: 1 of 1,529,988 alleles (0.000065%); highest among the groups gnomAD compares: Non-Finnish European, 0.000089%; no homozygotes.

Submissions (2):

Cavalleri Lab, Royal College of Surgeons in Ireland
Classification: Uncertain significance for Polycystic kidney disease, adult type. Last evaluated: 2020-02-05. Review status: criteria provided, single submitter. Criteria: ACMG Guidelines, 2015. Collection method: research. Allele origin: unknown. Inheritance: Autosomal dominant inheritance. Affected: yes.
Comment: PM2, PP4, PP5

Department of Pathology and Laboratory Medicine, Sinai Health System
Classification: Uncertain significance for Polycystic Kidney disease. Review status: no assertion criteria provided. Collection method: clinical testing. Allele origin: unknown. Affected: yes. Study: The Canadian Open Genetics Repository (COGR). Not counted in ClinVar's aggregate classification.
Comment: The PKD1 p.Asn101Asp variant was identified in 1 of 250 proband chromosomes (frequency: 0.004) from individuals or families with autosomal dominant polycystic kidney disease (Rafaella 2017, PhD Thesis). The variant was identified in the ADPKD Mutation Database (observed 1x). The variant was not identified in dbSNP, ClinVar, LOVD 3.0, PKD1-LOVD, Exome Aggregation Consortium (August 8th 2016) or the Genome Aggregation Database (Feb 27, 2017). The p.Asn101 residue is conserved in mammals and computational analyses (PolyPhen-2, SIFT, AlignGVGD, BLOSUM, MutationTaster) provide inconsistent predictions regarding the impact to the protein; this information is not very predictive of pathogenicity. The variant occurs outside of the splicing consensus sequence and in silico or computational prediction software programs (SpliceSiteFinder, MaxEntScan, NNSPLICE, GeneSplicer) do not predict a difference in splicing. In summary, based on the above information the clinical significance of this variant cannot be determined with certainty at this time. This variant is classified as a variant of uncertain significance.